The following is an entry in ClinVar:

NM_013386.5(SLC25A24):c.1316G>T (p.Gly439Val)

Gene: SLC25A24 (solute carrier family 25 member 24; minus strand). Cytogenetic location: 1p13.3.
Variant type: single nucleotide variant.
Coding change: c.1316G>T on transcript NM_013386.5 (MANE Select); coding-DNA position 1316, G replaced by T.
Protein change: p.Gly439Val; replaces glycine 439 with valine.
Molecular consequence: missense variant.
Genome position (GRCh38, 1-based): chr1:108,136,771, C>A on the plus strand (G>T on the coding strand, the complement: SLC25A24 is on the minus strand). VCF-style: chr1-108136771-C-A. GRCh37 (hg19) VCF-style: chr1-108679393-C-A.
Other names: c.1259G>T, p.Gly420Val (NM_213651.3); c.1316G>T (NM_013386.3); short protein forms G420V, G439V.
Identifiers: ClinVar variation 2978840 (VCV002978840.4), dbSNP rs772402918, ClinGen allele CA979011.

ClinVar aggregate classification (germline): Uncertain significance. Review status: criteria provided, multiple submitters, no conflicts (2 of 4 stars). 2 submissions from 2 submitters: Uncertain significance (2). Last evaluated 2024-01-04.

Conditions:
Inborn genetic diseases. Identifiers: MedGen C0950123, MeSH D030342.

Allele frequency attached by ClinVar (database versions not stated): gnomAD 0.00001; gnomAD exomes 0.00001; ExAC 0.00002; TOPMed 0.00002.
gnomAD v4.1: 17 of 1,613,974 alleles (0.0011%); highest among the groups gnomAD compares: Admixed American, 0.0067%; no homozygotes.

Submissions (2):

Labcorp Genetics (formerly Invitae), Labcorp
Classification: Uncertain significance. Last evaluated: 2024-01-04. Review status: criteria provided, single submitter. Criteria: Invitae Variant Classification Sherloc (09022015). Collection method: clinical testing. Allele origin: germline.
Comment: This sequence change replaces glycine, which is neutral and non-polar, with valine, which is neutral and non-polar, at codon 439 of the SLC25A24 protein (p.Gly439Val). This variant is present in population databases (rs772402918, gnomAD 0.009%). This variant has not been reported in the literature in individuals affected with SLC25A24-related conditions. Advanced modeling of protein sequence and biophysical properties (such as structural, functional, and spatial information, amino acid conservation, physicochemical variation, residue mobility, and thermodynamic stability) performed at Invitae indicates that this missense variant is expected to disrupt SLC25A24 protein function with a positive predictive value of 80%. In summary, the available evidence is currently insufficient to determine the role of this variant in disease. Therefore, it has been classified as a Variant of Uncertain Significance.

Ambry Genetics
Classification: Uncertain significance for Inborn genetic diseases. Last evaluated: 2024-01-02. Review status: criteria provided, single submitter. Criteria: Ambry Variant Classification Scheme 2023. Collection method: clinical testing. Allele origin: germline.